The following is an entry in ClinVar:

ClinVar aggregate classification (germline): Pathogenic (1 of 4 stars; one submission).

Conditions:
Cardiovascular phenotype. Identifiers: MedGen CN230736.
Hereditary cancer-predisposing syndrome. Also called: Tumor predisposition; Hereditary neoplastic syndrome; Neoplastic Syndromes, Hereditary; Hereditary Cancer Syndrome. Identifiers: Orphanet 140162, MedGen C0027672, MeSH D009386, MONDO:0015356.

Submission:

Ambry Genetics
Classification: Pathogenic for Cardiovascular phenotype; Hereditary cancer-predisposing syndrome. Last evaluated: 2025-05-16. Review status: criteria provided, single submitter. Criteria: Ambry Variant Classification Scheme 2023. Collection method: clinical testing. Allele origin: germline.
Comment: The c.6207delC pathogenic mutation, located in coding exon 41 of the NF1 gene, results from a deletion of one nucleotide at nucleotide position 6207, causing a translational frameshift with a predicted alternate stop codon (p.F2069Lfs*21). This variant is considered to be rare based on population cohorts in the Genome Aggregation Database (gnomAD). This alteration is expected to result in loss of function by premature protein truncation or nonsense-mediated mRNA decay. As such, this alteration is interpreted as a disease-causing mutation.

NM_001042492.3(NF1):c.6270del (p.Phe2090fs)

Gene: NF1 (neurofibromin 1; plus strand). Cytogenetic location: 17q11.2.
Variant type: Deletion.
Coding change: c.6270del on transcript NM_001042492.3 (MANE Select); coding-DNA position 6270, one base deleted (C; older notation c.6270delC).
Protein change: p.Phe2090fs; shifts the reading frame from phenylalanine 2090.
Molecular consequence: frameshift variant.
Genome position (GRCh38, 1-based): chr17:31,336,757, C deleted. VCF-style (leftmost placement, unchanged base first): chr17-31336756-TC-T. GRCh37 (hg19) VCF-style: chr17-29663774-TC-T.
Other names: c.6207delC (NM_000267.3); c.6207delC, p.Phe2069Leufs (NM_000267.4); short protein forms F2069fs, F2090fs.
Identifiers: ClinVar variation 4029723 (VCV004029723.1).